The following is an entry in ClinVar:

ClinVar aggregate classification (germline): Uncertain significance (1 of 4 stars; one submission).

Submission:

Labcorp Genetics (formerly Invitae), Labcorp
Classification: Uncertain significance. Last evaluated: 2023-06-29. Review status: criteria provided, single submitter. Criteria: Invitae Variant Classification Sherloc (09022015). Collection method: clinical testing. Allele origin: germline.
Comment: In summary, the available evidence is currently insufficient to determine the role of this variant in disease. Therefore, it has been classified as a Variant of Uncertain Significance. This variant has not been reported in the literature in individuals affected with YWHAE-related conditions. This variant results in a copy number gain of the genomic region encompassing exon(s) 6 of the YWHAE gene. This region includes the termination codon of the gene. This copy number gain extends beyond the assayed region for this gene and therefore may encompass additional genes. As the precise location of this event is unknown, it may be in tandem or it may be located elsewhere in the genome.

NC_000017.10:g.(?_1248741)_(1248813_?)dup

Gene: YWHAE (tyrosine 3-monooxygenase/tryptophan 5-monooxygenase activation protein epsilon; minus strand). Cytogenetic location: 17p13.3.
Variant type: Duplication.
Identifiers: ClinVar variation 1450640 (VCV001450640.5).